The following is an entry in ClinVar:

ClinVar aggregate classification (germline): Uncertain significance (1 of 4 stars; one submission).

Allele frequency attached by ClinVar (database versions not stated): gnomAD 0.00001; gnomAD exomes 0.00001 and 0.00004; TOPMed 0.00002; ExAC 0.00005.
gnomAD v4.1: 24 of 1,614,090 alleles (0.0015%); highest among the groups gnomAD compares: South Asian, 0.0044%; no homozygotes.

Submission:

Labcorp Genetics (formerly Invitae), Labcorp
Classification: Uncertain significance. Last evaluated: 2022-10-24. Review status: criteria provided, single submitter. Criteria: Invitae Variant Classification Sherloc (09022015). Collection method: clinical testing. Allele origin: germline.
Comment: This sequence change replaces arginine, which is basic and polar, with glutamine, which is neutral and polar, at codon 377 of the CLCC1 protein (p.Arg377Gln). This variant is present in population databases (rs771823029, gnomAD 0.007%). This variant has not been reported in the literature in individuals affected with CLCC1-related conditions. ClinVar contains an entry for this variant (Variation ID: 1380110). Algorithms developed to predict the effect of missense changes on protein structure and function (SIFT, PolyPhen-2, Align-GVGD) all suggest that this variant is likely to be tolerated. In summary, the available evidence is currently insufficient to determine the role of this variant in disease. Therefore, it has been classified as a Variant of Uncertain Significance.

NM_001377458.1(CLCC1):c.1130G>A (p.Arg377Gln)

Gene: CLCC1 (chloride channel CLIC like 1; minus strand). Cytogenetic location: 1p13.3.
Variant type: single nucleotide variant.
Coding change: c.1130G>A on transcript NM_001377458.1 (MANE Select); coding-DNA position 1130, G replaced by A.
Protein change: p.Arg377Gln; replaces arginine 377 with glutamine.
Molecular consequence: missense variant. On other transcripts: non-coding transcript variant (1).
Genome position (GRCh38, 1-based): chr1:108,937,330, C>T on the plus strand (G>A on the coding strand, the complement: CLCC1 is on the minus strand). VCF-style: chr1-108937330-C-T. GRCh37 (hg19) VCF-style: chr1-109479952-C-T.
Other names: c.1130G>A, p.Arg377Gln (NM_001048210.3, NM_001377459.1, NM_001377460.1 and 8 more transcripts); c.767G>A, p.Arg256Gln (NM_001278202.2); c.575G>A, p.Arg192Gln (NM_001278203.1); c.1028G>A, p.Arg343Gln (NM_001377469.1); c.839G>A, p.Arg280Gln (NM_001377470.1); c.980G>A, p.Arg327Gln (NM_015127.5); short protein forms R192Q, R280Q, R256Q, R327Q, R343Q, R377Q.
Identifiers: ClinVar variation 1380110 (VCV001380110.3), dbSNP rs771823029, ClinGen allele CA983387.